The following is an entry in ClinVar:

NM_198525.3(KIF7):c.623C>T (p.Thr208Met)

Gene: KIF7 (kinesin family member 7; minus strand). Cytogenetic location: 15q26.1.
Variant type: single nucleotide variant.
Coding change: c.623C>T on transcript NM_198525.3 (MANE Select); coding-DNA position 623, C replaced by T.
Protein change: p.Thr208Met; replaces threonine 208 with methionine.
Molecular consequence: missense variant.
Genome position (GRCh38, 1-based): chr15:89,649,274, G>A on the plus strand (C>T on the coding strand, the complement: KIF7 is on the minus strand). VCF-style: chr15-89649274-G-A. GRCh37 (hg19) VCF-style: chr15-90192505-G-A.
Other names: short protein forms T208M.
Identifiers: ClinVar variation 317377 (VCV000317377.7), dbSNP rs886051541, ClinGen allele CA10647509.

ClinVar aggregate classification (germline): Uncertain significance. Review status: criteria provided, multiple submitters, no conflicts (2 of 4 stars). 3 submissions from 3 submitters: Uncertain significance (3). Last evaluated 2026-08-12.

Conditions:
Inborn genetic diseases. Identifiers: MedGen C0950123, MeSH D030342.
Acrocallosal syndrome (ACLS). Also called: Schinzel syndrome 1; Absence of corpus callosum with unusual facial appearance, mental deficiency, duplication of the halluces and polydactyly; HALLUX DUPLICATION, POSTAXIAL POLYDACTYLY, AND ABSENCE OF CORPUS CALLOSUM. Identifiers: Orphanet 36, MedGen C0796147, MONDO:0008708, OMIM 200990.

Allele frequency attached by ClinVar (database versions not stated): TOPMed 0.00002; gnomAD 0.00001.
gnomAD v4.1: 10 of 1,519,232 alleles (0.00066%); highest among the groups gnomAD compares: Non-Finnish European, 0.00089%; no homozygotes.

Submissions (3):

Ambry Genetics
Classification: Uncertain significance for Inborn genetic diseases. Last evaluated: 2026-08-12. Review status: criteria provided, single submitter. Criteria: Ambry Variant Classification Scheme 2023. Collection method: clinical testing. Allele origin: germline.

Labcorp Genetics (formerly Invitae), Labcorp
Classification: Uncertain significance for Acrocallosal syndrome. Last evaluated: 2022-06-18. Review status: criteria provided, single submitter. Criteria: Invitae Variant Classification Sherloc (09022015). Collection method: clinical testing. Allele origin: germline.
Comment: This sequence change replaces threonine, which is neutral and polar, with methionine, which is neutral and non-polar, at codon 208 of the KIF7 protein (p.Thr208Met). This variant is not present in population databases (gnomAD no frequency). This variant has not been reported in the literature in individuals affected with KIF7-related conditions. ClinVar contains an entry for this variant (Variation ID: 317377). Algorithms developed to predict the effect of missense changes on protein structure and function are either unavailable or do not agree on the potential impact of this missense change (SIFT: "Deleterious"; PolyPhen-2: "Probably Damaging"; Align-GVGD: "Class C0"). In summary, the available evidence is currently insufficient to determine the role of this variant in disease. Therefore, it has been classified as a Variant of Uncertain Significance.

Illumina Laboratory Services, Illumina
Classification: Uncertain significance for Acrocallosal syndrome. Last evaluated: 2018-01-13. Review status: criteria provided, single submitter. Criteria: ICSL Variant Classification Criteria 13 December 2019. Collection method: clinical testing. Allele origin: germline.